The following is an entry in ClinVar:

ClinVar aggregate classification (germline): Uncertain significance (1 of 4 stars; one submission).

Conditions:
Hereditary cancer-predisposing syndrome. Also called: Neoplastic Syndromes, Hereditary; Tumor predisposition; Hereditary Cancer Syndrome; Hereditary neoplastic syndrome. Identifiers: Orphanet 140162, MedGen C0027672, MeSH D009386, MONDO:0015356.

Submission:

Ambry Genetics
Classification: Uncertain significance for Hereditary cancer-predisposing syndrome. Last evaluated: 2024-10-05. Review status: criteria provided, single submitter. Criteria: Ambry Variant Classification Scheme 2023. Collection method: clinical testing. Allele origin: germline.
Comment: The c.1265_1270delATAATC variant (also known as p.H422_N423del) is located in coding exon 13 of the POLE gene. This variant results from an in-frame ATAATC deletion at nucleotide positions 1265 to 1270. This results in the in-frame deletion of 2 amino acids at codons 422 and 423. This amino acid region is highly conserved in available vertebrate species. In addition, this alteration is predicted to be deleterious by in silico analysis (Choi Y et al. PLoS ONE. 2012; 7(10):e46688). Based on the available evidence, the clinical significance of this variant remains unclear.

NM_006231.4(POLE):c.1265_1270del (p.His422_Asn423del)

Gene: POLE (DNA polymerase epsilon, catalytic subunit; minus strand). Cytogenetic location: 12q24.33.
Variant type: Deletion.
Coding change: c.1265_1270del on transcript NM_006231.4 (MANE Select); coding-DNA positions 1265 to 1270, 6 bases deleted (ATAATC; older notation c.1265_1270delATAATC).
Protein change: p.His422_Asn423del.
Genome position (GRCh38, 1-based): chr12:132,673,664-132,673,669, GATTAT deleted on the plus strand (ATAATC on the coding strand, the reverse complement: POLE is on the minus strand); deleting any 6 consecutive bases within chr12:132,673,664-132,673,671 gives the same sequence; the c. name uses the placement nearest the transcript's 3' end. VCF-style (leftmost placement, unchanged base first): chr12-132673663-AGATTAT-A. GRCh37 (hg19) VCF-style: chr12-133250249-AGATTAT-A.
Identifiers: ClinVar variation 3422181 (VCV003422181.1).